The following is an entry in ClinVar:

NM_000152.5(GAA):c.1509_1511del (p.Ala504del)

Gene: GAA (alpha glucosidase; plus strand). Cytogenetic location: 17q25.3.
Variant type: Deletion.
Coding change: c.1509_1511del on transcript NM_000152.5 (MANE Select); coding-DNA positions 1509 to 1511, 3 bases deleted (GGC; older notation c.1509_1511delGGC).
Protein change: p.Ala504del; deletes alanine 504.
Molecular consequence: inframe deletion.
Genome position (GRCh38, 1-based): chr17:80,110,798-80,110,800, GGC deleted. VCF-style (leftmost placement, unchanged base first): chr17-80110797-TGGC-T. GRCh37 (hg19) VCF-style: chr17-78084596-TGGC-T.
Other names: c.1509_1511del, p.Ala504del (NM_001079803.3, NM_001079804.3, NM_001406741.1 and 1 more transcripts); short protein forms A504del.
Identifiers: ClinVar variation 4876437 (VCV004876437.1).

ClinVar aggregate classification (germline): Uncertain significance (1 of 4 stars; one submission).

Conditions:
Glycogen storage disease, type II (IOPD). Also called: Pompe Disease; CARDIOMEGALIA GLYCOGENICA DIFFUSA; GLYCOGENOSIS, GENERALIZED, CARDIAC FORM; GSD II; POMPE DISEASE, INFANTILE-ONSET; GLYCOGEN STORAGE DISEASE II, INFANTILE-ONSET. Identifiers: Orphanet 365, MedGen C0017921, MONDO:0009290, OMIM 232300.

Submission:

Genomenon, Inc
Classification: Uncertain significance for Glycogen storage disease, type II. Last evaluated: 2026-07-01. Review status: criteria provided, single submitter. Criteria: Genomenon Sequence Variant Interpretation Standards - Updated. Collection method: curation. Allele origin: germline. Affected: yes.
Comment: GAA p.Ala504del (c.1509_1511del) is an in-frame deletion that results in the loss of Alanine at codon 504. This variant has been observed in at least one proband with a GAA-related disorder in the compound heterozygous and/or homozygous state (PMID:18458862). It is absent or not present at a significant frequency in gnomAD. In conclusion, we classify GAA p.Ala504del (c.1509_1511del) as a variant of uncertain significance.

Literature cited by the submitters: PubMed 18458862.